The following is an entry in ClinVar:

ClinVar aggregate classification (germline): Uncertain significance (1 of 4 stars; one submission).

Allele frequency attached by ClinVar (database versions not stated): gnomAD exomes 0.00004 and 0.00008; gnomAD 0.00006 and 0.00007; TOPMed 0.00006; ESP Exome Variant Server 0.00008; ExAC 0.00011; 1000 Genomes Project 30x 0.00031; 1000 Genomes Project 0.00040.
gnomAD v4.1: 65 of 1,610,502 alleles (0.004%); highest among the groups gnomAD compares: South Asian, 0.031%; no homozygotes.

Submission:

GeneDx
Classification: Uncertain significance. Last evaluated: 2017-02-21. Review status: criteria provided, single submitter. Criteria: GeneDx Variant Classification (06012015). Collection method: clinical testing. Allele origin: germline. Affected: yes.
Comment: The R1915W variant in the AGRN gene has not been reported previously as a pathogenic variant, nor as a benign variant, to our knowledge. The R1915W variant is not observed at a significant frequenc in large population cohorts (Lek et al., 2016; 1000 Genomes Consortium et al., 2015; Exome Variant Server). The R1915W variant is a non-conservative amino acid substitution, which is likely to impact secondary protein structure as these residues differ in polarity, charge, size and/or other properties. This substitution occurs at a position that is conserved across species, and in silico analysis predicts this variant is probably damaging to the protein structure/function. We interpret R1915W as a variant of uncertain significance.

NM_198576.4(AGRN):c.5743C>T (p.Arg1915Trp)

Gene: AGRN (agrin; plus strand). Cytogenetic location: 1p36.33.
Variant type: single nucleotide variant.
Coding change: c.5743C>T on transcript NM_198576.4 (MANE Select); coding-DNA position 5743, C replaced by T.
Protein change: p.Arg1915Trp; replaces arginine 1915 with tryptophan.
Molecular consequence: missense variant.
Genome position (GRCh38, 1-based): chr1:1,053,844, C>T. VCF-style: chr1-1053844-C-T. GRCh37 (hg19) VCF-style: chr1-989224-C-T.
Other names: c.5812C>T, p.Arg1938Trp (NM_001305275.2); c.5440C>T, p.Arg1814Trp (NM_001364727.2); short protein forms R1915W, R1938W, R1814W.
Identifiers: ClinVar variation 422180 (VCV000422180.2), dbSNP rs140892896, ClinGen allele CA510216.